The following is an entry in ClinVar:

NM_001144869.3(LIPT2):c.397C>G (p.Gln133Glu)

Gene: LIPT2 (lipoyl(octanoyl) transferase 2; minus strand). Cytogenetic location: 11q13.4.
Variant type: single nucleotide variant.
Coding change: c.397C>G on transcript NM_001144869.3 (MANE Select); coding-DNA position 397, C replaced by G.
Protein change: p.Gln133Glu; replaces glutamine 133 with glutamic acid.
Molecular consequence: missense variant. On other transcripts: intron variant (1).
Genome position (GRCh38, 1-based): chr11:74,493,307, G>C on the plus strand (C>G on the coding strand, the complement: LIPT2 is on the minus strand). VCF-style: chr11-74493307-G-C. GRCh37 (hg19) VCF-style: chr11-74204352-G-C.
Other names: c.397C>G, p.Gln133Glu (NM_001329941.2); c.237+160C>G (NM_001329942.2); short protein forms Q133E.
Identifiers: ClinVar variation 2059642 (VCV002059642.3), dbSNP rs201403683, ClinGen allele CA224979280.
Genomic context (GRCh38, chr11:74,493,307, plus strand): 5'-AGATCTTGCGATCGTCTAGCCAGACGCCAGTGTAGGGCGGGGGCCGCGCGCGGGCGTCCT[G>C]CAGGCCCTGGAGCTCGCACAGGCGCACGGCGCACGCCTCCAGCGACGCTACGTGCATGCG-3'
Protein context (NP_001138341.1, residues 123-143): AVRLCELQGL[Gln133Glu]DARARPPPYT

ClinVar aggregate classification (germline): Uncertain significance. Review status: criteria provided, multiple submitters, no conflicts (2 of 4 stars). 2 submissions from 2 submitters: Uncertain significance (2). Last evaluated 2024-01-22.

Allele frequency attached by ClinVar (database versions not stated): TOPMed 0.00053; gnomAD 0.00062; gnomAD exomes 0.00096.
gnomAD v4.1: 1,293 of 1,443,078 alleles (0.09%); highest among the groups gnomAD compares: Non-Finnish European, 0.11%; 2 homozygotes.

Submissions (2):

Labcorp Genetics (formerly Invitae), Labcorp
Classification: Uncertain significance. Last evaluated: 2024-01-22. Review status: criteria provided, single submitter. Criteria: Invitae Variant Classification Sherloc (09022015). Collection method: clinical testing. Allele origin: germline.
Comment: This sequence change replaces glutamine, which is neutral and polar, with glutamic acid, which is acidic and polar, at codon 133 of the LIPT2 protein (p.Gln133Glu). This variant is present in population databases (rs201403683, gnomAD 0.09%). This variant has not been reported in the literature in individuals affected with LIPT2-related conditions. ClinVar contains an entry for this variant (Variation ID: 2059642). An algorithm developed to predict the effect of missense changes on protein structure and function (PolyPhen-2) suggests that this variant¬†is likely to be tolerated. In summary, the available evidence is currently insufficient to determine the role of this variant in disease. Therefore, it has been classified as a Variant of Uncertain Significance.

Ambry Genetics
Classification: Uncertain significance. Last evaluated: 2021-09-01. Review status: criteria provided, single submitter. Criteria: Ambry Variant Classification Scheme 2023. Collection method: clinical testing. Allele origin: germline.